The following is an entry in ClinVar:

ClinVar aggregate classification (germline): Uncertain significance (1 of 4 stars; one submission).

Submission:

Ambry Genetics
Classification: Uncertain significance. Last evaluated: 2024-12-29. Review status: criteria provided, single submitter. Criteria: Ambry Variant Classification Scheme 2023. Collection method: clinical testing. Allele origin: germline.
Comment: The p.G417R variant (also known as c.1249G>A), located in coding exon 8 of the RNF43 gene, results from a G to A substitution at nucleotide position 1249. The glycine at codon 417 is replaced by arginine, an amino acid with dissimilar properties. This amino acid position is conserved. In addition, this alteration is predicted to be tolerated by in silico analysis. Based on the available evidence, the clinical significance of this variant remains unclear.

NM_017763.6(RNF43):c.1249G>A (p.Gly417Arg)

Gene: RNF43 (ring finger protein 43; minus strand). Cytogenetic location: 17q22.
Variant type: single nucleotide variant.
Coding change: c.1249G>A on transcript NM_017763.6 (MANE Select); coding-DNA position 1249, G replaced by A.
Protein change: p.Gly417Arg; replaces glycine 417 with arginine.
Molecular consequence: missense variant.
Genome position (GRCh38, 1-based): chr17:58,358,527, C>T on the plus strand (G>A on the coding strand, the complement: RNF43 is on the minus strand). VCF-style: chr17-58358527-C-T. GRCh37 (hg19) VCF-style: chr17-56435888-C-T.
Other names: c.1249G>A, p.Gly417Arg (NM_001305544.3); c.868G>A, p.Gly290Arg (NM_001305545.2); short protein forms G417R, G290R.
Identifiers: ClinVar variation 3789875 (VCV003789875.1).